The following is an entry in ClinVar:

NM_152468.5(TMC8):c.901C>T (p.Arg301Trp)

Gene: TMC8 (transmembrane channel like 8; plus strand). Cytogenetic location: 17q25.3.
Variant type: single nucleotide variant.
Coding change: c.901C>T on transcript NM_152468.5 (MANE Select); coding-DNA position 901, C replaced by T.
Protein change: p.Arg301Trp; replaces arginine 301 with tryptophan.
Molecular consequence: missense variant.
Genome position (GRCh38, 1-based): chr17:78,134,478, C>T. VCF-style: chr17-78134478-C-T. GRCh37 (hg19) VCF-style: chr17-76130559-C-T.
Other names: short protein forms R301W.
Identifiers: ClinVar variation 640386 (VCV000640386.10), dbSNP rs778554801, ClinGen allele CA8796654.

ClinVar aggregate classification (germline): Uncertain significance. Review status: criteria provided, multiple submitters, no conflicts (2 of 4 stars). 2 submissions from 2 submitters: Uncertain significance (2). Last evaluated 2024-10-21.

Conditions:
Epidermodysplasia verruciformis. Identifiers: Orphanet 302, MedGen C0014522, MONDO:0009176.

Allele frequency attached by ClinVar (database versions not stated): gnomAD 0.00004 and 0.00007; ExAC 0.00005; TOPMed 0.00005.
gnomAD v4.1: 106 of 1,614,022 alleles (0.0066%); highest among the groups gnomAD compares: Middle Eastern, 0.38%; 1 homozygote.

Submissions (2):

Labcorp Genetics (formerly Invitae), Labcorp
Classification: Uncertain significance for Epidermodysplasia verruciformis. Last evaluated: 2024-10-21. Review status: criteria provided, single submitter. Criteria: Invitae Variant Classification Sherloc (09022015). Collection method: clinical testing. Allele origin: germline.
Comment: This sequence change replaces arginine, which is basic and polar, with tryptophan, which is neutral and slightly polar, at codon 301 of the TMC8 protein (p.Arg301Trp). This variant is present in population databases (rs778554801, gnomAD 0.03%). This variant has not been reported in the literature in individuals affected with TMC8-related conditions. ClinVar contains an entry for this variant (Variation ID: 640386). Invitae Evidence Modeling of protein sequence and biophysical properties (such as structural, functional, and spatial information, amino acid conservation, physicochemical variation, residue mobility, and thermodynamic stability) indicates that this missense variant is not expected to disrupt TMC8 protein function with a negative predictive value of 80%. In summary, the available evidence is currently insufficient to determine the role of this variant in disease. Therefore, it has been classified as a Variant of Uncertain Significance.

Blueprint Genetics
Classification: Uncertain significance. Last evaluated: 2024-09-09. Review status: criteria provided, single submitter. Criteria: ACMG Guidelines, 2015. Collection method: clinical testing. Allele origin: germline.